The following is an entry in ClinVar:

ClinVar aggregate classification (germline): Benign (1 of 4 stars; one submission).

Allele frequency attached by ClinVar (database versions not stated): TOPMed 0.46924; gnomAD 0.48005 and 0.48416; 1000 Genomes Project 30x 0.48563; 1000 Genomes Project 0.49321; gnomAD exomes 0.53315.
gnomAD v4.1: 651,453 of 1,236,690 alleles (53%); highest among the groups gnomAD compares: East Asian, 55%; 173,461 homozygotes.

Submission:

GeneDx
Classification: Benign. Last evaluated: 2018-06-14. Review status: criteria provided, single submitter. Criteria: GeneDx Variant Classification (06012015). Collection method: clinical testing. Allele origin: germline. Affected: yes.
Comment: This variant is considered likely benign or benign based on one or more of the following criteria: it is a conservative change, it occurs at a poorly conserved position in the protein, it is predicted to be benign by multiple in silico algorithms, and/or has population frequency not consistent with disease.

NM_001165963.4(SCN1A):c.1170+112C>T

Gene: SCN1A (sodium voltage-gated channel alpha subunit 1; minus strand). Cytogenetic location: 2q24.3.
Variant type: single nucleotide variant.
Coding change: c.1170+112C>T on transcript NM_001165963.4 (MANE Select); 112 bases into the intron after coding-DNA position 1170, C replaced by T.
Molecular consequence: intron variant.
Genome position (GRCh38, 1-based): chr2:166,047,515, G>A on the plus strand (C>T on the coding strand, the complement: SCN1A is on the minus strand). VCF-style: chr2-166047515-G-A. GRCh37 (hg19) VCF-style: chr2-166904025-G-A.
Other names: c.1170+112C>T (NM_001353949.2, NM_001353958.2, NM_001353950.2 and 10 more transcripts); c.-1256+112C>T (NM_001353961.2).
Identifiers: ClinVar variation 674940 (VCV000674940.1), dbSNP rs11690959, ClinGen allele CA11279529.